The following is an entry in ClinVar:

ClinVar aggregate classification (germline): Benign/Likely benign. Review status: criteria provided, multiple submitters, no conflicts (2 of 4 stars). 5 submissions from 5 submitters: Benign (2); Likely benign (2). 1 of the submissions does not count toward it. Last evaluated 2026-01-26.

Conditions:
Renal tubular dysgenesis. Also called: Renotubular dysgenesis. Identifiers: Orphanet 3033, MedGen C0266313, MONDO:0017609, HP:0008660.
ACE-related disorder. Also called: ACE-related condition; ACE-related disorders.

Allele frequency attached by ClinVar (database versions not stated): gnomAD 0.01449 and 0.01536; TOPMed 0.01588; ESP Exome Variant Server 0.01668; 1000 Genomes Project 0.01897; 1000 Genomes Project 30x 0.01968.

Submissions (5):

Labcorp Genetics (formerly Invitae), Labcorp
Classification: Benign. Last evaluated: 2026-01-26. Review status: criteria provided, single submitter. Criteria: Invitae Variant Classification Sherloc (09022015). Collection method: clinical testing. Allele origin: germline.

Mayo Clinic Laboratories, Mayo Clinic
Classification: Benign. Last evaluated: 2023-04-12. Review status: criteria provided, single submitter. Criteria: ACMG Guidelines, 2015. Collection method: clinical testing. Allele origin: germline. Observed: 3 variant alleles.

Illumina Laboratory Services, Illumina
Classification: Likely benign for Renal tubular dysgenesis of genetic origin. Last evaluated: 2017-04-27. Review status: criteria provided, single submitter. Criteria: ICSL Variant Classification Criteria 13 December 2019. Collection method: clinical testing. Allele origin: germline.
Comment: This variant was observed as part of a predisposition screen in an ostensibly healthy population. A literature search was performed for the gene, cDNA change, and amino acid change (where applicable). No publications were found based on this search. Allele frequency data from public databases allowed determination this variant is unlikely to cause disease. Therefore, this variant is classified as likely benign.

Breakthrough Genomics
Classification: Likely benign. Review status: criteria provided, single submitter. Criteria: ACMG Guidelines, 2015. Collection method: not provided. Allele origin: germline. Inheritance: Autosomal recessive inheritance. Affected: yes.

PreventionGenetics, part of Exact Sciences
Classification: Benign for ACE-related condition. Last evaluated: 2019-10-15. Review status: no assertion criteria provided. Collection method: clinical testing. Allele origin: germline. Not counted in ClinVar's aggregate classification.
Comment: This variant is classified as benign based on ACMG/AMP sequence variant interpretation guidelines (Richards et al. 2015 PMID: 25741868, with internal and published modifications).

NM_000789.4(ACE):c.1775A>G (p.Asp592Gly)

Gene: ACE (angiotensin I converting enzyme; plus strand). Cytogenetic location: 17q23.3.
Variant type: single nucleotide variant.
Coding change: c.1775A>G on transcript NM_000789.4 (MANE Select); coding-DNA position 1775, A replaced by G.
Protein change: p.Asp592Gly; replaces aspartic acid 592 with glycine.
Molecular consequence: missense variant.
Genome position (GRCh38, 1-based): chr17:63,484,395, A>G. VCF-style: chr17-63484395-A-G. GRCh37 (hg19) VCF-style: chr17-61561756-A-G.
Other names: short protein forms D592G.
Identifiers: ClinVar variation 324386 (VCV000324386.19), dbSNP rs12709426, ClinGen allele CA8699691.